The following is an entry in ClinVar:

ClinVar aggregate classification (germline): Uncertain significance (1 of 4 stars; one submission).

Conditions:
Neuroblastoma, susceptibility to, 1. Identifiers: MedGen C2749485, MONDO:0009741, OMIM 256700.

gnomAD v4.1: 91 of 1,613,864 alleles (0.0056%); highest among the groups gnomAD compares: Non-Finnish European, 0.0075%; no homozygotes.

Submission:

St. Jude Molecular Pathology, St. Jude Children's Research Hospital
Classification: Uncertain significance for Neuroblastoma, susceptibility to, 1. Last evaluated: 2026-02-11. Review status: criteria provided, single submitter. Criteria: St. Jude Assertion Criteria 2020. Collection method: clinical testing. Allele origin: germline.
Comment: The KIF1B c.2962C>T p.(Leu988Phe) missense change has a maximum subpopulation frequency of 0.006% in gnomAD v2.1.1. The in silico tool REVEL predicts a benign effect on protein function, but to our knowledge this prediction has not been confirmed by functional studies. To our knowledge, this variant has not been reported in the literature in individuals with pheochromocytoma or neuroblastoma. In summary, the evidence currently available is insufficient to determine the clinical significance of this variant. It has therefore been classified as of uncertain significance.

NM_001365951.3(KIF1B):c.2115+6901C>T

Gene: KIF1B (kinesin family member 1B; plus strand). Cytogenetic location: 1p36.22.
Variant type: single nucleotide variant.
Coding change: c.2115+6901C>T on transcript NM_001365951.3 (MANE Select); 6901 bases into the intron after coding-DNA position 2115, C replaced by T.
Molecular consequence: intron variant. On other transcripts: missense variant (2).
Genome position (GRCh38, 1-based): chr1:10,304,147, C>T. VCF-style: chr1-10304147-C-T. GRCh37 (hg19) VCF-style: chr1-10364205-C-T.
Other names: c.2962C>T, p.Leu988Phe (NM_001365953.1, NM_183416.4); c.1977+6901C>T (NM_015074.3); c.2115+6901C>T (NM_001365952.1); short protein forms L988F.
Identifiers: ClinVar variation 4813142 (VCV004813142.1).